The following is an entry in ClinVar:

ClinVar aggregate classification (germline): Uncertain significance. Review status: criteria provided, multiple submitters, no conflicts (2 of 4 stars). 2 submissions from 2 submitters: Uncertain significance (2). Last evaluated 2024-08-02.

Allele frequency attached by ClinVar (database versions not stated): TOPMed below 0.00001; ExAC 0.00001; gnomAD 0.00001; gnomAD exomes 0.00001.
gnomAD v4.1: 14 of 1,613,920 alleles (0.00087%); highest among the groups gnomAD compares: Admixed American, 0.0017%; no homozygotes.

Submissions (2):

Labcorp Genetics (formerly Invitae), Labcorp
Classification: Uncertain significance. Last evaluated: 2024-08-02. Review status: criteria provided, single submitter. Criteria: Invitae Variant Classification Sherloc (09022015). Collection method: clinical testing. Allele origin: germline.
Comment: This sequence change replaces proline, which is neutral and non-polar, with leucine, which is neutral and non-polar, at codon 631 of the FLNB protein (p.Pro631Leu). This variant is present in population databases (rs764833888, gnomAD 0.003%). This variant has not been reported in the literature in individuals affected with FLNB-related conditions. ClinVar contains an entry for this variant (Variation ID: 1989253). Advanced modeling of protein sequence and biophysical properties (such as structural, functional, and spatial information, amino acid conservation, physicochemical variation, residue mobility, and thermodynamic stability) has been performed at Invitae for this missense variant, however the output from this modeling did not meet the statistical confidence thresholds required to predict the impact of this variant on FLNB protein function. In summary, the available evidence is currently insufficient to determine the role of this variant in disease. Therefore, it has been classified as a Variant of Uncertain Significance.

Blueprint Genetics
Classification: Uncertain significance. Last evaluated: 2021-05-12. Review status: criteria provided, single submitter. Criteria: ACMG Guidelines, 2015. Collection method: clinical testing. Allele origin: germline.

NM_001457.4(FLNB):c.1892C>T (p.Pro631Leu)

Gene: FLNB (filamin B; plus strand). Cytogenetic location: 3p14.3.
Variant type: single nucleotide variant.
Coding change: c.1892C>T on transcript NM_001457.4 (MANE Select); coding-DNA position 1892, C replaced by T.
Protein change: p.Pro631Leu; replaces proline 631 with leucine.
Molecular consequence: missense variant.
Genome position (GRCh38, 1-based): chr3:58,106,824, C>T. VCF-style: chr3-58106824-C-T. GRCh37 (hg19) VCF-style: chr3-58092551-C-T.
Other names: c.1892C>T, p.Pro631Leu (NM_001164317.2, NM_001164318.2, NM_001164319.2); short protein forms P631L.
Identifiers: ClinVar variation 1989253 (VCV001989253.5), dbSNP rs764833888, ClinGen allele CA2467953.